The following is an entry in ClinVar:

NM_001256715.2(DNAAF3):c.1239-8A>G

Genes: DNAAF3 (dynein axonemal assembly factor 3; minus strand), DNAAF3-AS1 (DNAAF3 antisense RNA 1; plus strand). Cytogenetic location: 19q13.42.
Variant type: single nucleotide variant.
Coding change: c.1239-8A>G on transcript NM_001256715.2 (MANE Select); 8 bases into the intron before coding-DNA position 1239, A replaced by G.
Molecular consequence: intron variant.
Genome position (GRCh38, 1-based): chr19:55,159,457, T>C on the plus strand (A>G on the coding strand, the complement: DNAAF3 is on the minus strand). VCF-style: chr19-55159457-T-C. GRCh37 (hg19) VCF-style: chr19-55670825-T-C.
Other names: p.?; c.1440-8A>G (NM_001256714.1); c.1380-8A>G (NM_178837.4); c.1077-8A>G (NM_001256716.2).
Identifiers: ClinVar variation 257684 (VCV000257684.26), dbSNP rs28377509, ClinGen allele CA9667821.

ClinVar aggregate classification (germline): Benign/Likely benign. Review status: criteria provided, multiple submitters, no conflicts (2 of 4 stars). 10 submissions from 10 submitters: Benign (7); Likely benign (2). 1 of the submissions does not count toward it. Last evaluated 2026-02-04.

Conditions:
Primary ciliary dyskinesia. Also called: Ciliary dyskinesia. Identifiers: Orphanet 244, MedGen C0008780, MONDO:0016575, HP:0012265.
Primary ciliary dyskinesia 2. Also called: CILIARY DYSKINESIA, PRIMARY, 2, WITH OR WITHOUT SITUS INVERSUS. Identifiers: Orphanet 244, MedGen C1847554, MONDO:0011718, OMIM 606763.

Allele frequency attached by ClinVar (database versions not stated): gnomAD exomes 0.24266 and 0.32258; ExAC 0.32443; ESP Exome Variant Server 0.33108; gnomAD 0.36480 and 0.36676; TOPMed 0.39128; 1000 Genomes Project 0.46925; 1000 Genomes Project 30x 0.47673.
gnomAD v4.1: 412,255 of 1,612,414 alleles (26%); highest among the groups gnomAD compares: African/African-American, 66%; 65,011 homozygotes.

Submissions (10):

Labcorp Genetics (formerly Invitae), Labcorp
Classification: Benign for Primary ciliary dyskinesia. Last evaluated: 2026-02-04. Review status: criteria provided, single submitter. Criteria: Invitae Variant Classification Sherloc (09022015). Collection method: clinical testing. Allele origin: germline.

Blueprint Genetics
Classification: Likely benign. Last evaluated: 2024-11-28. Review status: criteria provided, single submitter. Criteria: ACMG Guidelines, 2015. Collection method: clinical testing. Allele origin: germline.

Mayo Clinic Laboratories, Mayo Clinic
Classification: Benign. Last evaluated: 2022-04-26. Review status: criteria provided, single submitter. Criteria: ACMG Guidelines, 2015. Collection method: clinical testing. Allele origin: germline. Observed: 95 variant alleles.

Genome-Nilou Lab
Classification: Benign for Primary ciliary dyskinesia 2. Last evaluated: 2021-07-30. Review status: criteria provided, single submitter. Criteria: ACMG Guidelines, 2015. Collection method: clinical testing. Allele origin: germline. Affected: no.

GeneDx
Classification: Benign. Last evaluated: 2018-07-05. Review status: criteria provided, single submitter. Criteria: GeneDx Variant Classification Process June 2021. Collection method: clinical testing. Allele origin: germline. Affected: yes.

Laboratory for Molecular Medicine, Mass General Brigham Personalized Medicine
Classification: Benign. Last evaluated: 2016-03-28. Review status: criteria provided, single submitter. Criteria: LMM Criteria. Collection method: clinical testing. Allele origin: germline.
Comment: Variant identified in a genome or exome case(s) and assessed due to predicted null impact of the variant or pathogenic assertions in the literature or databases. Disclaimer: This variant has not undergone full assessment. The following are preliminary notes: Frequency

Clinical Genetics DNA and cytogenetics Diagnostics Lab, Erasmus MC, Erasmus Medical Center
Classification: Benign for Primary ciliary dyskinesia 2. Last evaluated: 2015-09-21. Review status: criteria provided, single submitter. Criteria: ACGS Guidelines, 2013. Collection method: clinical testing. Allele origin: germline. Affected: yes. Study: VKGL Data-share Consensus.

Breakthrough Genomics
Classification: Likely benign. Review status: criteria provided, single submitter. Criteria: ACMG Guidelines, 2015. Collection method: not provided. Allele origin: germline. Inheritance: Autosomal recessive inheritance. Affected: yes.

PreventionGenetics, part of Exact Sciences
Classification: Benign. Review status: criteria provided, single submitter. Criteria: ACMG Guidelines, 2015. Collection method: clinical testing. Allele origin: germline.

Diagnostic Laboratory, Department of Genetics, University Medical Center Groningen
Classification: Benign for Primary ciliary dyskinesia 2. Review status: no assertion criteria provided. Collection method: clinical testing. Allele origin: germline. Affected: yes. Study: VKGL Data-share Consensus. Not counted in ClinVar's aggregate classification.